The following is an entry in ClinVar:

ClinVar aggregate classification (germline): Uncertain significance. Review status: criteria provided, multiple submitters, no conflicts (2 of 4 stars). 4 submissions from 4 submitters: Uncertain significance (4). Last evaluated 2026-01-26.
ClinVar aggregate classification (oncogenicity): Uncertain significance (1 of 4 stars; one submission).

Conditions:
Hereditary cancer-predisposing syndrome. Also called: Neoplastic Syndromes, Hereditary; Tumor predisposition; Hereditary Cancer Syndrome; Hereditary neoplastic syndrome. Identifiers: Orphanet 140162, MedGen C0027672, MeSH D009386, MONDO:0015356.
Neuroblastoma, susceptibility to, 3. Also called: ALK-Related Neuroblastic Tumor Susceptibility. Identifiers: Orphanet 635, MedGen C2751681, MONDO:0013083, OMIM 613014.
ALK-related disorder. Also called: ALK-related condition.
Neoplasm. Also called: tumor; Neoplasms; Neoplasm (disease). Identifiers: MedGen C0027651, MeSH D009369, MONDO:0005070, HP:0002664.

Allele frequency attached by ClinVar (database versions not stated): TOPMed 0.00002.

Submissions (5):

Labcorp Genetics (formerly Invitae), Labcorp
Classification: Uncertain significance for Neuroblastoma, susceptibility to, 3. Last evaluated: 2026-01-26. Review status: criteria provided, single submitter. Criteria: Invitae Variant Classification Sherloc (09022015). Collection method: clinical testing. Allele origin: germline.
Comment: This sequence change replaces arginine, which is basic and polar, with tryptophan, which is neutral and slightly polar, at codon 753 of the ALK protein (p.Arg753Trp). This variant is present in population databases (rs745499366, gnomAD 0.01%). This variant has not been reported in the literature in individuals affected with ALK-related conditions. ClinVar contains an entry for this variant (Variation ID: 538196). An algorithm developed to predict the effect of missense changes on protein structure and function (PolyPhen-2) suggests that this variant is likely to be disruptive. In summary, the available evidence is currently insufficient to determine the role of this variant in disease. Therefore, it has been classified as a Variant of Uncertain Significance.

Center for Genomic Medicine, Rigshospitalet, Copenhagen University Hospital
Classification: Uncertain significance for Neoplasm. Last evaluated: 2025-12-29. Review status: criteria provided, single submitter. Criteria: ClinGen/CGC/VICC Guidelines for Oncogenicity, 2022. Collection method: clinical testing. Allele origin: somatic. Affected: yes.

Ambry Genetics
Classification: Uncertain significance for Hereditary cancer-predisposing syndrome. Last evaluated: 2025-03-16. Review status: criteria provided, single submitter. Criteria: Ambry Variant Classification Scheme 2023. Collection method: clinical testing. Allele origin: germline.
Comment: The p.R753W variant (also known as c.2257C>T), located in coding exon 13 of the ALK gene, results from a C to T substitution at nucleotide position 2257. The arginine at codon 753 is replaced by tryptophan, an amino acid with dissimilar properties. This amino acid position is conserved. In addition, the in silico prediction for this alteration is inconclusive. Based on the available evidence, the clinical significance of this variant remains unclear.

Baylor Genetics
Classification: Uncertain significance for Neuroblastoma, susceptibility to, 3. Last evaluated: 2023-07-02. Review status: criteria provided, single submitter. Criteria: ACMG Guidelines, 2015. Collection method: clinical testing. Allele origin: unknown.

PreventionGenetics, part of Exact Sciences
Classification: Uncertain significance for ALK-related condition. Last evaluated: 2022-09-19. Review status: criteria provided, single submitter. Criteria: ACMG Guidelines, 2015. Collection method: clinical testing. Allele origin: germline.
Comment: The ALK c.2257C>T variant is predicted to result in the amino acid substitution p.Arg753Trp. To our knowledge, this variant has not been reported in the literature. This variant is reported in 0.012% of alleles in individuals of Latino descent in gnomAD and is interpreted as a variant of uncertain significance in ClinVar. At this time, the clinical significance of this variant is uncertain due to the absence of conclusive functional and genetic evidence.

Literature cited by the submitters: PubMed 34646012 (cited by Center for Genomic Medicine, Rigshospitalet, Copenhagen University Hospital).

NM_004304.5(ALK):c.2257C>T (p.Arg753Trp)

Gene: ALK (ALK receptor tyrosine kinase; minus strand). Cytogenetic location: 2p23.2.
Variant type: single nucleotide variant.
Coding change: c.2257C>T on transcript NM_004304.5 (MANE Select); coding-DNA position 2257, C replaced by T.
Protein change: p.Arg753Trp; replaces arginine 753 with tryptophan.
Molecular consequence: missense variant.
Genome position (GRCh38, 1-based): chr2:29,239,778, G>A on the plus strand (C>T on the coding strand, the complement: ALK is on the minus strand). VCF-style: chr2-29239778-G-A. GRCh37 (hg19) VCF-style: chr2-29462644-G-A.
Other names: short protein forms R753W.
Identifiers: ClinVar variation 538196 (VCV000538196.15), dbSNP rs745499366, ClinGen allele CA1594379.